The following is an entry in ClinVar:

ClinVar aggregate classification (germline): Uncertain significance. Review status: criteria provided, multiple submitters, no conflicts (2 of 4 stars). 2 submissions from 2 submitters: Uncertain significance (2). Last evaluated 2022-09-14.

Allele frequency attached by ClinVar (database versions not stated): gnomAD exomes below 0.00001.
gnomAD v4.1: 4 of 1,612,192 alleles (0.00025%); highest among the groups gnomAD compares: Non-Finnish European, 0.00034%; no homozygotes.

Submissions (2):

Blueprint Genetics
Classification: Uncertain significance. Last evaluated: 2022-09-14. Review status: criteria provided, single submitter. Criteria: ACMG Guidelines, 2015. Collection method: clinical testing. Allele origin: germline.

Labcorp Genetics (formerly Invitae), Labcorp
Classification: Uncertain significance. Last evaluated: 2022-03-10. Review status: criteria provided, single submitter. Criteria: Invitae Variant Classification Sherloc (09022015). Collection method: clinical testing. Allele origin: germline.
Comment: In summary, the available evidence is currently insufficient to determine the role of this variant in disease. Therefore, it has been classified as a Variant of Uncertain Significance. Algorithms developed to predict the effect of missense changes on protein structure and function are either unavailable or do not agree on the potential impact of this missense change (SIFT: "Deleterious"; PolyPhen-2: "Probably Damaging"; Align-GVGD: "Class C0"). ClinVar contains an entry for this variant (Variation ID: 1052501). This variant has not been reported in the literature in individuals affected with GPR179-related conditions. This variant is not present in population databases (gnomAD no frequency). This sequence change replaces threonine, which is neutral and polar, with proline, which is neutral and non-polar, at codon 862 of the GPR179 protein (p.Thr862Pro).

NM_001004334.4(GPR179):c.2584A>C (p.Thr862Pro)

Gene: GPR179 (G protein-coupled receptor 179; minus strand). Cytogenetic location: 17q12.
Variant type: single nucleotide variant.
Coding change: c.2584A>C on transcript NM_001004334.4 (MANE Select); coding-DNA position 2584, A replaced by C.
Protein change: p.Thr862Pro; replaces threonine 862 with proline.
Molecular consequence: missense variant.
Genome position (GRCh38, 1-based): chr17:38,330,985, T>G on the plus strand (A>C on the coding strand, the complement: GPR179 is on the minus strand). VCF-style: chr17-38330985-T-G. GRCh37 (hg19) VCF-style: chr17-36486868-T-G.
Other names: short protein forms T862P.
Identifiers: ClinVar variation 1052501 (VCV001052501.10), dbSNP rs2144263583, ClinGen allele CA398882901.